The following is an entry in ClinVar:

ClinVar aggregate classification (germline): Uncertain significance (1 of 4 stars; one submission).

Conditions:
Spastic paraplegia. Identifiers: MedGen C0037772, HP:0001258.

Allele frequency attached by ClinVar (database versions not stated): gnomAD 0.00001.

Submission:

Labcorp Genetics (formerly Invitae), Labcorp
Classification: Uncertain significance for Spastic paraplegia. Last evaluated: 2024-10-16. Review status: criteria provided, single submitter. Criteria: Invitae Variant Classification Sherloc (09022015). Collection method: clinical testing. Allele origin: germline.
Comment: This sequence change replaces proline, which is neutral and non-polar, with leucine, which is neutral and non-polar, at codon 13 of the FA2H protein (p.Pro13Leu). This variant is not present in population databases (gnomAD no frequency). This variant has not been reported in the literature in individuals affected with FA2H-related conditions. ClinVar contains an entry for this variant (Variation ID: 2184208). Invitae Evidence Modeling of protein sequence and biophysical properties (such as structural, functional, and spatial information, amino acid conservation, physicochemical variation, residue mobility, and thermodynamic stability) indicates that this missense variant is not expected to disrupt FA2H protein function with a negative predictive value of 80%. In summary, the available evidence is currently insufficient to determine the role of this variant in disease. Therefore, it has been classified as a Variant of Uncertain Significance.

NM_024306.5(FA2H):c.38C>T (p.Pro13Leu)

Genes: FA2H (fatty acid 2-hydroxylase; minus strand), LOC130059394 (ATAC-STARR-seq lymphoblastoid silent region 7701; plus strand). Cytogenetic location: 16q23.1.
Variant type: single nucleotide variant.
Coding change: c.38C>T on transcript NM_024306.5 (MANE Select); coding-DNA position 38, C replaced by T.
Protein change: p.Pro13Leu; replaces proline 13 with leucine.
Molecular consequence: missense variant.
Genome position (GRCh38, 1-based): chr16:74,774,718, G>A on the plus strand (C>T on the coding strand, the complement: FA2H is on the minus strand). VCF-style: chr16-74774718-G-A. GRCh37 (hg19) VCF-style: chr16-74808616-G-A.
Other names: short protein forms P13L.
Identifiers: ClinVar variation 2184208 (VCV002184208.3), dbSNP rs1395004209, ClinGen allele CA396768542.
Genomic context (GRCh38, chr16:74,774,718, plus strand): 5'-AGGCGGGCCCCGCGGCGGACCCAGCACGCGCCGGCCGCCAGGCGCCGCTGGACCTCGGAG[G>A]GCGAGAAGGAGGCGGCGGGGGGCGGAGCGGGGGCCATGGCCGGAGACCGCAGCTCCCAGC-3'
Protein context (NP_077282.3, residues 3-23): PAPPPAASFS[Pro13Leu]SEVQRRLAAG